The following is an entry in ClinVar:

ClinVar aggregate classification (germline): Likely benign. Review status: criteria provided, multiple submitters, no conflicts (2 of 4 stars). 5 submissions from 5 submitters: Likely benign (4). 1 of the submissions does not count toward it. Last evaluated 2025-11-01.

Conditions:
Charcot-Marie-Tooth disease type 2. Also called: Charcot-Marie-Tooth type 2. Identifiers: Orphanet 64746, MedGen C0270914, MONDO:0018993.
KIF1B-related disorder. Also called: KIF1B-related condition.
Charcot-Marie-Tooth disease. Also called: Charcot-Marie-Tooth Neuropathy; Charcot-Marie-Tooth Hereditary Neuropathy. Identifiers: Orphanet 166, MedGen C0007959, MONDO:0015626.

Allele frequency attached by ClinVar (database versions not stated): TOPMed 0.00002; gnomAD exomes 0.00004 and 0.00005; gnomAD 0.00005; ExAC 0.00006.
gnomAD v4.1: 76 of 1,613,728 alleles (0.0047%); highest among the groups gnomAD compares: Non-Finnish European, 0.0063%; no homozygotes.

Submissions (5):

CeGaT Center for Human Genetics Tuebingen
Classification: Likely benign. Last evaluated: 2025-11-01. Review status: criteria provided, single submitter. Criteria: CeGaT Center For Human Genetics Tuebingen Variant Classification Criteria Version 2. Collection method: clinical testing. Allele origin: germline. Affected: yes. Observed: 3 variant alleles.
Comment: KIF1B: BP4, BP7

Labcorp Genetics (formerly Invitae), Labcorp
Classification: Likely benign for Charcot-Marie-Tooth disease type 2. Last evaluated: 2025-08-28. Review status: criteria provided, single submitter. Criteria: Invitae Variant Classification Sherloc (09022015). Collection method: clinical testing. Allele origin: germline.

Ambry Genetics
Classification: Likely benign. Last evaluated: 2021-02-10. Review status: criteria provided, single submitter. Criteria: Ambry Variant Classification Scheme 2023. Collection method: clinical testing. Allele origin: germline.

Molecular Genetics Laboratory, London Health Sciences Centre
Classification: Likely benign for Charcot-Marie-Tooth disease. Review status: criteria provided, single submitter. Criteria: ACMG Guidelines, 2015. Collection method: clinical testing. Allele origin: germline. Affected: yes.

PreventionGenetics, part of Exact Sciences
Classification: Likely benign for KIF1B-related condition. Last evaluated: 2019-04-11. Review status: no assertion criteria provided. Collection method: clinical testing. Allele origin: germline. Not counted in ClinVar's aggregate classification.
Comment: This variant is classified as likely benign based on ACMG/AMP sequence variant interpretation guidelines (Richards et al. 2015 PMID: 25741868, with internal and published modifications).

NM_001365951.3(KIF1B):c.78C>T (p.Cys26=)

Genes: KIF1B (kinesin family member 1B; plus strand), LOC129388446 (MPRA-validated peak64 silencer; plus strand). Cytogenetic location: 1p36.22.
Variant type: single nucleotide variant.
Coding change: c.78C>T on transcript NM_001365951.3 (MANE Select); coding-DNA position 78, C replaced by T.
Protein change: p.Cys26=; no amino-acid change (cysteine 26 retained).
Molecular consequence: synonymous variant.
Genome position (GRCh38, 1-based): chr1:10,232,406, C>T. VCF-style: chr1-10232406-C-T. GRCh37 (hg19) VCF-style: chr1-10292464-C-T.
Other names: c.78C>T, p.Cys26= (NM_001365952.1, NM_001365953.1, NM_015074.3 and 1 more transcripts).
Identifiers: ClinVar variation 696714 (VCV000696714.39), dbSNP rs772548887, ClinGen allele CA580601.
Genomic context (GRCh38, chr1:10,232,406, plus strand): 5'-GAAGGTGGCTGTCCGGGTAAGGCCCTTCAATTCTCGAGAGACCAGCAAGGAATCCAAATG[C>T]ATCATTCAGATGCAAGGCAACTCGACCAGTGAGTACATGTTGTTTTCTCTCAGCTGTGTA-3'
Protein context (NP_001352880.1, residues 16-36): NSRETSKESK[Cys26=]IIQMQGNSTS